The following is an entry in ClinVar:

ClinVar aggregate classification (germline): Uncertain significance. Review status: criteria provided, multiple submitters, no conflicts (2 of 4 stars). 2 submissions from 2 submitters: Uncertain significance (2). Last evaluated 2025-12-08.

Allele frequency attached by ClinVar (database versions not stated): gnomAD 0.00001; gnomAD exomes 0.00001; TOPMed 0.00001.
gnomAD v4.1: 11 of 1,579,498 alleles (0.0007%); highest among the groups gnomAD compares: African/African-American, 0.004%; no homozygotes.

Submissions (2):

Labcorp Genetics (formerly Invitae), Labcorp
Classification: Uncertain significance. Last evaluated: 2025-12-08. Review status: criteria provided, single submitter. Criteria: Invitae Variant Classification Sherloc (09022015). Collection method: clinical testing. Allele origin: germline.
Comment: This sequence change affects codon 1122 of the COL11A2 mRNA. It is a 'silent' change, meaning that it does not change the encoded amino acid sequence of the COL11A2 protein. This variant also falls at the last nucleotide of exon 45, which is part of the consensus splice site for this exon. The frequency data for this variant in the population databases is considered unreliable, as metrics indicate poor data quality at this position in the gnomAD database. This variant has not been reported in the literature in individuals affected with COL11A2-related conditions. ClinVar contains an entry for this variant (Variation ID: 1985009). Variants that disrupt the consensus splice site are a relatively common cause of aberrant splicing (PMID: 17576681, 9536098). Algorithms developed to predict the effect of sequence changes on RNA splicing suggest that this variant is not likely to affect RNA splicing. In summary, the available evidence is currently insufficient to determine the role of this variant in disease. Therefore, it has been classified as a Variant of Uncertain Significance.

Blueprint Genetics
Classification: Uncertain significance. Last evaluated: 2020-10-23. Review status: criteria provided, single submitter. Criteria: ACMG Guidelines, 2015. Collection method: clinical testing. Allele origin: germline.

Literature cited by the submitters: PubMed 17576681 (cited by Labcorp Genetics (formerly Invitae), Labcorp); PubMed 9536098 (cited by Labcorp Genetics (formerly Invitae), Labcorp).

NM_080680.3(COL11A2):c.3366G>A (p.Ala1122=)

Gene: COL11A2 (collagen type XI alpha 2 chain; minus strand). Cytogenetic location: 6p21.32.
Variant type: single nucleotide variant.
Coding change: c.3366G>A on transcript NM_080680.3 (MANE Select); coding-DNA position 3366, G replaced by A.
Protein change: p.Ala1122=; no amino-acid change (alanine 1122 retained).
Molecular consequence: synonymous variant.
Genome position (GRCh38, 1-based): chr6:33,171,114, C>T on the plus strand (G>A on the coding strand, the complement: COL11A2 is on the minus strand). VCF-style: chr6-33171114-C-T. GRCh37 (hg19) VCF-style: chr6-33138891-C-T.
Other names: c.3045G>A, p.Ala1015= (NM_080679.3); c.3108G>A, p.Ala1036= (NM_080681.3).
Identifiers: ClinVar variation 1985009 (VCV001985009.5), dbSNP rs779227176, ClinGen allele CA3750541.